The following is an entry in ClinVar:

ClinVar aggregate classification (germline): Pathogenic (1 of 4 stars; one submission).

Conditions:
46 XY differences of sex development. Also called: 46, XY disorder of sex development (DSD); 46,XY disorder of sex development. Identifiers: Orphanet 98085, MedGen C2751824, MONDO:0020040.
Oligosynaptic infertility (SPGF1). Also called: SPERMATOGENIC FAILURE 1; OLIGOCHIASMATIC INFERTILITY. Identifiers: MedGen C0403810, MONDO:0009776, OMIM 258150.

Submission:

Labcorp Genetics (formerly Invitae), Labcorp
Classification: Pathogenic for 46 XY differences of sex development; Oligosynaptic infertility. Last evaluated: 2024-01-16. Review status: criteria provided, single submitter. Criteria: Invitae Variant Classification Sherloc (09022015). Collection method: clinical testing. Allele origin: unknown.
Comment: This variant is a gross deletion of the genomic region encompassing exon(s) 2-4 of the NR5A1 gene, which includes the initiator codon. This deletion extends beyond the assayed region for this gene and therefore may encompass additional genes. It is expected to result in an absent or disrupted protein product. Loss-of-function variants in NR5A1 are known to be pathogenic (PMID: 10369247, 12907682, 19246354). This variant has not been reported in the literature in individuals affected with NR5A1-related conditions. For these reasons, this variant has been classified as Pathogenic.

Literature cited by the submitters: PubMed 10369247; PubMed 12907682; PubMed 19246354.

NC_000009.11:g.(?_127262349)_(127267690_?)del

Gene: NR5A1 (nuclear receptor subfamily 5 group A member 1; minus strand). Cytogenetic location: 9q33.3.
Variant type: Deletion.
Identifiers: ClinVar variation 3245235 (VCV003245235.1).